The following is an entry in ClinVar:

NM_001367624.2(ZNF469):c.9851G>A (p.Gly3284Glu)

Gene: ZNF469 (zinc finger protein 469; plus strand). Cytogenetic location: 16q24.2.
Variant type: single nucleotide variant.
Coding change: c.9851G>A on transcript NM_001367624.2 (MANE Select); coding-DNA position 9851, G replaced by A.
Protein change: p.Gly3284Glu; replaces glycine 3284 with glutamic acid.
Molecular consequence: missense variant.
Genome position (GRCh38, 1-based): chr16:88,437,321, G>A. VCF-style: chr16-88437321-G-A. GRCh37 (hg19) VCF-style: chr16-88503729-G-A.
Other names: NM_001127464.1:c.9767G>A; short protein forms G3284E.
Identifiers: ClinVar variation 1768122 (VCV001768122.3), dbSNP rs1203034913, ClinGen allele CA397124898.

ClinVar aggregate classification (germline): Uncertain significance (1 of 4 stars; one submission).

Conditions:
Cardiovascular phenotype. Identifiers: MedGen CN230736.

Allele frequency attached by ClinVar (database versions not stated): TOPMed 0.00002; gnomAD 0.00003.
gnomAD v4.1: 12 of 1,547,042 alleles (0.00078%); highest among the groups gnomAD compares: African/African-American, 0.011%; no homozygotes.

Submission:

Ambry Genetics
Classification: Uncertain significance for Cardiovascular phenotype. Last evaluated: 2024-12-05. Review status: criteria provided, single submitter. Criteria: Ambry Variant Classification Scheme 2023. Collection method: clinical testing. Allele origin: germline.
Comment: The p.G3256E variant (also known as c.9767G>A), located in coding exon 2 of the ZNF469 gene, results from a G to A substitution at nucleotide position 9767. The glycine at codon 3256 is replaced by glutamic acid, an amino acid with similar properties. This amino acid position is conserved. In addition, this alteration is predicted to be tolerated by in silico analysis. Since supporting evidence is limited at this time, the clinical significance of this alteration remains unclear.